The following continues an entry in ClinVar:

NM_000256.3(MYBPC3):c.3226_3227insT (p.Asp1076fs)

Gene: MYBPC3. ClinVar aggregate classification (germline): Pathogenic. Pathogenic (12).

Submissions 11 to 12 of 12:

Victorian Clinical Genetics Services, Murdoch Childrens Research Institute
Classification: Pathogenic for Hypertrophic cardiomyopathy 4. Last evaluated: 2020-07-02. Review status: criteria provided, single submitter. Criteria: ACMG Guidelines, 2015. Collection method: clinical testing. Allele origin: germline. Affected: yes.
Comment: Based on the classification scheme VCGS_Germline_v1.1.1, this variant is classified as Pathogenic. Following criteria are met: 0102 - Loss-of-function is a known mechanism of disease for this gene. (N) 0108 - This gene is known to be associated with both recessive and dominant disease. Heterozygous variants are frequently reported in adult onset conditions, however recessive inheritance results in a more severe early onset phenotype (OMIM). (N) 0201 - Variant is located in exon 30 of 35 and is predicted to cause nonsense-mediated decay (NMD) and loss of protein. (P) 0251 - Variant is heterozygous. (N) 0302 - Variant is present in gnomAD v3 <0.001 (1 heterozygote, 0 homozygotes). (P) 0701 - Comparable variants have very strong previous evidence for pathogenicity. Other variants predicted to cause NMD have been reported as pathogenic (ClinVar, Decipher). (P) 0801 - Strong previous evidence of pathogenicity in unrelated individuals. The variant has been previously reported in multiple patients with hypertrophic cardiomyopathy (ClinVar, PMID: 27532257). (P) 1208 - Inheritance information for this variant is not currently available. (N) Legend: (P) - Pathogenic, (N) - Neutral, (B) - Benign

Laboratory for Molecular Medicine, Mass General Brigham Personalized Medicine
Classification: Pathogenic for Hypertrophic cardiomyopathy. Last evaluated: 2019-08-14. Review status: criteria provided, single submitter. Criteria: LMM Criteria. Collection method: clinical testing. Allele origin: germline. Inheritance: Autosomal dominant inheritance. Observed: 18 variant alleles.
Comment: The p.Asp1076ValfsX6 variant in MYBPC3 has been reported in >20 individuals with HCM and segregated with disease in 3 affected individuals from 3 families (Bos 2014, Kapplinger 2014, Walsh 2017, LMM data). It has also been identified in 1/15396 of European chromosomes by gnomAD. This variant is predicted to cause a frameshift, which alters the proteinâ€™s amino acid sequence beginning at position 1076 and leads to a premature termination codon 6 amino acids downstream. This alteration is then predicted to lead to a truncated or absent protein. Loss of function of the MYBPC3 gene is an established disease mechanism in autosomal dominant HCM. In summary, this variant meets criteria to be classified as pathogenic for autosomal dominant HCM. ACMG/AMP Criteria applied: PVS1, PS4, PM2, PP1.

Literature cited by the submitters: PubMed 19574547 (cited by Labcorp Genetics (formerly Invitae), Labcorp); PubMed 20474083 (cited by 5 submitters); PubMed 24510615 (cited by 5 submitters); PubMed 25031304 (cited by 3 submitters); PubMed 25611685 (cited by 5 submitters); PubMed 27532257 (cited by 6 submitters); PubMed 20800588 (cited by Ambry Genetics); PubMed 24721642 (cited by Ambry Genetics); PubMed 24793961 (cited by Ambry Genetics and Laboratory for Molecular Medicine, Mass General Brigham Personalized Medicine); PubMed 31006259 (cited by 3 submitters); PubMed 20851114 (cited by Women's Health and Genetics/Laboratory Corporation of America, LabCorp); PubMed 30550750 (cited by Women's Health and Genetics/Laboratory Corporation of America, LabCorp); PubMed 32841044 (cited by All of Us Research Program, National Institutes of Health and Color Diagnostics, LLC DBA Color Health); PubMed 33495596 (cited by All of Us Research Program, National Institutes of Health and Color Diagnostics, LLC DBA Color Health); PubMed 33495597 (cited by All of Us Research Program, National Institutes of Health and Color Diagnostics, LLC DBA Color Health).